The following is an entry in ClinVar:

ClinVar aggregate classification (germline): Benign. Review status: criteria provided, multiple submitters, no conflicts (2 of 4 stars). 3 submissions from 3 submitters: Benign (2). 1 of the submissions does not count toward it. Last evaluated 2018-10-11.

Conditions:
PANX1-related disorder. Also called: PANX1-related condition.

Allele frequency attached by ClinVar (database versions not stated): gnomAD exomes 0.00322; ExAC 0.00395; 1000 Genomes Project 0.01198; 1000 Genomes Project 30x 0.01218; gnomAD 0.01260; ESP Exome Variant Server 0.01393; TOPMed 0.01449.
gnomAD v4.1: 3,854 of 1,602,838 alleles (0.24%); highest among the groups gnomAD compares: African/African-American, 4.5%; 80 homozygotes.

Submissions (3):

Labcorp Genetics (formerly Invitae), Labcorp
Classification: Benign. Last evaluated: 2018-10-11. Review status: criteria provided, single submitter. Criteria: Invitae Variant Classification Sherloc (09022015). Collection method: clinical testing. Allele origin: germline.

Breakthrough Genomics
Classification: Benign. Review status: criteria provided, single submitter. Criteria: ACMG Guidelines, 2015. Collection method: not provided. Allele origin: germline. Inheritance: Autosomal dominant inheritance. Affected: yes.

PreventionGenetics, part of Exact Sciences
Classification: Benign for PANX1-related condition. Last evaluated: 2019-03-29. Review status: no assertion criteria provided. Collection method: clinical testing. Allele origin: germline. Not counted in ClinVar's aggregate classification.
Comment: This variant is classified as benign based on ACMG/AMP sequence variant interpretation guidelines (Richards et al. 2015 PMID: 25741868, with internal and published modifications).

NM_015368.4(PANX1):c.1187C>T (p.Thr396Met)

Gene: PANX1 (pannexin 1; plus strand). Cytogenetic location: 11q21.
Variant type: single nucleotide variant.
Coding change: c.1187C>T on transcript NM_015368.4 (MANE Select); coding-DNA position 1187, C replaced by T.
Protein change: p.Thr396Met; replaces threonine 396 with methionine.
Molecular consequence: missense variant.
Genome position (GRCh38, 1-based): chr11:94,180,243, C>T. VCF-style: chr11-94180243-C-T. GRCh37 (hg19) VCF-style: chr11-93913409-C-T.
Other names: short protein forms T396M.
Identifiers: ClinVar variation 776649 (VCV000776649.6), dbSNP rs115773754, ClinGen allele CA6234182.